The following is an entry in ClinVar:

NM_006208.3(ENPP1):c.1791T>C (p.Asn597=)

Gene: ENPP1 (ectonucleotide pyrophosphatase/phosphodiesterase 1; plus strand). Cytogenetic location: 6q23.2.
Variant type: single nucleotide variant.
Coding change: c.1791T>C on transcript NM_006208.3 (MANE Select); coding-DNA position 1791, T replaced by C.
Protein change: p.Asn597=; no amino-acid change (asparagine 597 retained).
Molecular consequence: synonymous variant.
Genome position (GRCh38, 1-based): chr6:131,877,059, T>C. VCF-style: chr6-131877059-T-C. GRCh37 (hg19) VCF-style: chr6-132198199-T-C.
Identifiers: ClinVar variation 194855 (VCV000194855.18), dbSNP rs548504035, ClinGen allele CA241048.

ClinVar aggregate classification (germline): Conflicting classifications of pathogenicity. Review status: criteria provided, conflicting classifications (1 of 4 stars). 5 submissions from 4 submitters: Uncertain significance (1); Benign (1); Likely benign (3). Last evaluated 2025-07-27.

Conditions:
Arterial calcification, generalized, of infancy, 1 (GACI1). Also called: Idiopathic Infantile Arterial Calcification. Identifiers: Orphanet 51608, MedGen C4551985, MONDO:0008817, OMIM 208000.
Hypophosphatemic rickets, autosomal recessive, 2 (ARHR2). Identifiers: Orphanet 289176, MedGen C2750078, MONDO:0013219, OMIM 613312.

Allele frequency attached by ClinVar (database versions not stated): 1000 Genomes Project 0.00100; ExAC 0.00108; gnomAD 0.00001 and 0.00023; TOPMed 0.00003; gnomAD exomes 0.00046 and 0.00094; 1000 Genomes Project 30x 0.00094.
gnomAD v4.1: 699 of 1,614,080 alleles (0.043%); highest among the groups gnomAD compares: South Asian, 0.73%; 9 homozygotes.

Submissions (5):

Labcorp Genetics (formerly Invitae), Labcorp
Classification: Benign. Last evaluated: 2025-07-27. Review status: criteria provided, single submitter. Criteria: Invitae Variant Classification Sherloc (09022015). Collection method: clinical testing. Allele origin: germline.

Blueprint Genetics
Classification: Likely benign. Last evaluated: 2024-10-30. Review status: criteria provided, single submitter. Criteria: ACMG Guidelines, 2015. Collection method: clinical testing. Allele origin: germline.

Illumina Laboratory Services, Illumina
Classification: Likely benign for Arterial calcification, generalized, of infancy, 1. Last evaluated: 2018-01-13. Review status: criteria provided, single submitter. Criteria: ICSL Variant Classification Criteria 13 December 2019. Collection method: clinical testing. Allele origin: germline.
Comment: This variant was observed in the ICSL laboratory as part of a predisposition screen in an ostensibly healthy population. It had not been previously curated by ICSL or reported in the Human Gene Mutation Database (HGMD: prior to June 1st, 2018), and was therefore a candidate for classification through an automated scoring system. Utilizing variant allele frequency, disease prevalence and penetrance estimates, and inheritance mode, an automated score was calculated to assess if this variant is too frequent to cause the disease. Based on the score and internal cut-off values, a variant classified as likely benign is not then subjected to further curation. The score for this variant resulted in a classification of likely benign for this disease.

Illumina Laboratory Services, Illumina
Classification: Likely benign for Hypophosphatemic rickets, autosomal recessive, 2. Last evaluated: 2018-01-13. Review status: criteria provided, single submitter. Criteria: ICSL Variant Classification Criteria 13 December 2019. Collection method: clinical testing. Allele origin: germline.
Comment: the same text as in the submission from Illumina Laboratory Services, Illumina above.

Eurofins Ntd Llc (ga)
Classification: Uncertain significance. Last evaluated: 2014-12-11. Review status: criteria provided, single submitter. Criteria: EGL Classification Definitions 2015. Collection method: clinical testing. Allele origin: germline. Observed: 1 variant allele, 1 heterozygote.